The following is an entry in ClinVar:

ClinVar aggregate classification (germline): Uncertain significance (1 of 4 stars; one submission).

Conditions:
Myofibrillar myopathy 6. Identifiers: Orphanet 199340, MedGen C2751831, MONDO:0013061, OMIM 612954.
Dilated cardiomyopathy 1HH (CMD1HH). Identifiers: Orphanet 154, MedGen C3151293, MONDO:0013479, OMIM 613881.

Submission:

Labcorp Genetics (formerly Invitae), Labcorp
Classification: Uncertain significance for Dilated cardiomyopathy 1HH; Myofibrillar myopathy 6. Last evaluated: 2022-02-04. Review status: criteria provided, single submitter. Criteria: Invitae Variant Classification Sherloc (09022015). Collection method: clinical testing. Allele origin: germline.
Comment: This sequence change replaces proline, which is neutral and non-polar, with arginine, which is basic and polar, at codon 21 of the BAG3 protein (p.Pro21Arg). This variant is not present in population databases (gnomAD no frequency). This variant has not been reported in the literature in individuals affected with BAG3-related conditions. Algorithms developed to predict the effect of missense changes on protein structure and function are either unavailable or do not agree on the potential impact of this missense change (SIFT: "Tolerated"; PolyPhen-2: "Probably Damaging"; Align-GVGD: "Class C0"). In summary, the available evidence is currently insufficient to determine the role of this variant in disease. Therefore, it has been classified as a Variant of Uncertain Significance.

NM_004281.4(BAG3):c.62C>G (p.Pro21Arg)

Gene: BAG3 (BAG cochaperone 3; plus strand). Cytogenetic location: 10q26.11.
Variant type: single nucleotide variant.
Coding change: c.62C>G on transcript NM_004281.4 (MANE Select); coding-DNA position 62, C replaced by G.
Protein change: p.Pro21Arg; replaces proline 21 with arginine.
Molecular consequence: missense variant.
Genome position (GRCh38, 1-based): chr10:119,651,737, C>G. VCF-style: chr10-119651737-C-G. GRCh37 (hg19) VCF-style: chr10-121411249-C-G.
Other names: short protein forms P21R.
Identifiers: ClinVar variation 1432332 (VCV001432332.8), dbSNP rs1589619881, ClinGen allele CA378294094.